The following is an entry in ClinVar:

ClinVar aggregate classification (germline): Pathogenic (1 of 4 stars; one submission).

Conditions:
Primary ciliary dyskinesia 3. Identifiers: Orphanet 244, MedGen C1837618, MONDO:0012085, OMIM 608644.

Submission:

Myriad Genetics, Inc.
Classification: Pathogenic for Primary ciliary dyskinesia 3. Last evaluated: 2024-05-14. Review status: criteria provided, single submitter. Criteria: Myriad Autosomal Dominant, Autosomal Recessive and X-Linked Classification Criteria (2023). Collection method: clinical testing. Allele origin: unknown.
Comment: NM_001369.2(DNAH5):c.6112del1ins6(D2038Nfs*18) is expected to be pathogenic in the context of primary ciliary dyskinesia, DNAH5-related. This variant is predicted to lead to an abnormal or absent protein product due to the creation of a premature termination codon in DNAH5, a gene where loss-of-function variants are known to be pathogenic. Please note: this variant was assessed in the context of healthy population screening.

NM_001369.3(DNAH5):c.6112delinsAACAAA (p.Asp2038fs)

Gene: DNAH5 (dynein axonemal heavy chain 5; minus strand). Cytogenetic location: 5p15.2.
Variant type: Indel.
Coding change: c.6112delinsAACAAA on transcript NM_001369.3 (MANE Select); coding-DNA position 6112, G replaced by AACAAA.
Protein change: p.Asp2038fs; shifts the reading frame from aspartic acid 2038.
Molecular consequence: frameshift variant.
Genome position (GRCh38, 1-based): chr5:13,830,163, C replaced by TTTGTT on the plus strand (G replaced by AACAAA on the coding strand, the reverse complement: DNAH5 is on the minus strand). VCF-style: chr5-13830163-C-TTTGTT. GRCh37 (hg19) VCF-style: chr5-13830272-C-TTTGTT.
Other names: short protein forms D2038fs.
Identifiers: ClinVar variation 5011165 (VCV005011165.1).